The following is an entry in ClinVar:

NM_015570.4(AUTS2):c.3160C>T (p.Pro1054Ser)

Gene: AUTS2 (activator of transcription and developmental regulator AUTS2; plus strand). Cytogenetic location: 7q11.22.
Variant type: single nucleotide variant.
Coding change: c.3160C>T on transcript NM_015570.4 (MANE Select); coding-DNA position 3160, C replaced by T.
Protein change: p.Pro1054Ser; replaces proline 1054 with serine.
Molecular consequence: missense variant.
Genome position (GRCh38, 1-based): chr7:70,790,376, C>T. VCF-style: chr7-70790376-C-T. GRCh37 (hg19) VCF-style: chr7-70255362-C-T.
Other names: c.3088C>T, p.Pro1030Ser (NM_001127231.3); short protein forms P1030S, P1054S.
Identifiers: ClinVar variation 3391757 (VCV003391757.1).

ClinVar aggregate classification (germline): Uncertain significance (1 of 4 stars; one submission).

gnomAD v4.1: 1 of 1,613,912 alleles (0.000062%); highest among the groups gnomAD compares: South Asian, 0.0011%; no homozygotes.

Submission:

GeneDx
Classification: Uncertain significance. Last evaluated: 2024-06-18. Review status: criteria provided, single submitter. Criteria: GeneDx Variant Classification Process June 2021. Collection method: clinical testing. Allele origin: germline. Affected: yes.
Comment: Not observed at significant frequency in large population cohorts (gnomAD); In silico analysis supports that this missense variant has a deleterious effect on protein structure/function; Has not been previously published as pathogenic or benign to our knowledge